The following is an entry in ClinVar:

NM_000069.3(CACNA1S):c.3104A>T (p.Tyr1035Phe)

Gene: CACNA1S (calcium voltage-gated channel subunit alpha1 S; minus strand). Cytogenetic location: 1q32.1.
Variant type: single nucleotide variant.
Coding change: c.3104A>T on transcript NM_000069.3 (MANE Select); coding-DNA position 3104, A replaced by T.
Protein change: p.Tyr1035Phe; replaces tyrosine 1035 with phenylalanine.
Molecular consequence: missense variant.
Genome position (GRCh38, 1-based): chr1:201,061,418, T>A on the plus strand (A>T on the coding strand, the complement: CACNA1S is on the minus strand). VCF-style: chr1-201061418-T-A. GRCh37 (hg19) VCF-style: chr1-201030546-T-A.
Other names: p.Tyr1035Phe; short protein forms Y1035F.
Identifiers: ClinVar variation 3386337 (VCV003386337.2).

ClinVar aggregate classification (germline): Uncertain significance. Review status: criteria provided, multiple submitters, no conflicts (2 of 4 stars). 2 submissions from 2 submitters: Uncertain significance (2). Last evaluated 2025-07-21.

Conditions:
Malignant hyperthermia, susceptibility to, 5 (MHS5). Also called: CACNA1S-Related Malignant Hyperthermia Susceptibility. Identifiers: Orphanet 423, MedGen C1866077, MONDO:0011163, OMIM 601887.

gnomAD v4.1: 39 of 1,614,176 alleles (0.0024%); highest among the groups gnomAD compares: Non-Finnish European, 0.0033%; 1 homozygote.

Submissions (2):

Mayo Clinic Laboratories, Mayo Clinic
Classification: Uncertain significance. Last evaluated: 2025-07-21. Review status: criteria provided, single submitter. Criteria: ACMG Guidelines, 2015. Collection method: clinical testing. Allele origin: germline. Observed: 1 variant allele.

All of Us Research Program, National Institutes of Health
Classification: Uncertain significance for Malignant hyperthermia, susceptibility to, 5. Last evaluated: 2024-06-09. Review status: criteria provided, single submitter. Criteria: ACMG Guidelines, 2015. Collection method: clinical testing. Allele origin: germline. Inheritance: Autosomal dominant inheritance. Observed: 1 variant allele, 1 heterozygote.
Comment: This missense variant replaces tyrosine with phenylalanine at codon 1035 of the CACNA1S protein. Computational prediction is inconclusive regarding the impact of this variant on protein structure and function (internally defined REVEL score threshold 0.5 < inconclusive < 0.7, PMID: 27666373). To our knowledge, functional studies have not been reported for this variant. This variant has not been reported in individuals affected with CACNA1S-related disorders in the literature. This variant has been identified in 3/282832 chromosomes in the general population by the Genome Aggregation Database (gnomAD). The available evidence is insufficient to determine the role of this variant in disease conclusively. Therefore, this variant is classified as a Variant of Uncertain Significance.

This study involves interpretation of variants in research participants for the purpose of population health screening. Participant phenotype was not available at the time of variant classification. Additional details can be found in publication PMID: 35346344, PMCID: PMC8962531